The following is an entry in ClinVar:

NM_001363118.2(SLC52A2):c.580_581inv (p.Ser194Leu)

Gene: SLC52A2 (solute carrier family 52 member 2; plus strand). Cytogenetic location: 8q24.3.
Variant type: Inversion.
Coding change: c.580_581inv on transcript NM_001363118.2 (MANE Select).
Protein change: p.Ser194Leu; replaces serine 194 with leucine.
Molecular consequence: missense variant. On other transcripts: non-coding transcript variant (1), intron variant (1).
Genome position: GRCh38 VCF-style: chr8-144360072-AG-CT. GRCh37 (hg19) VCF-style: chr8-145583732-AG-CT.
Other names: c.580_581inv, p.Ser194Leu (NM_001253815.2, NM_001253816.2, NM_001363120.2 and 2 more transcripts); c.131-43_131-42inv (NM_001363122.2); short protein forms S194L.
Identifiers: ClinVar variation 947584 (VCV000947584.5), ClinGen allele CA1139660810.

ClinVar aggregate classification (germline): Uncertain significance (1 of 4 stars; one submission).

Conditions:
Brown-Vialetto-van Laere syndrome 2. Also called: SPINOCEREBELLAR ATAXIA WITH BLINDNESS AND DEAFNESS 2; Riboflavin transporter deficiency type 2. Identifiers: Orphanet 572543, Orphanet 97229, MedGen C3553538, MONDO:0013867, OMIM 614707.

Submission:

Labcorp Genetics (formerly Invitae), Labcorp
Classification: Uncertain significance for Brown-Vialetto-van Laere syndrome 2. Last evaluated: 2019-06-04. Review status: criteria provided, single submitter. Criteria: Invitae Variant Classification Sherloc (09022015). Collection method: clinical testing. Allele origin: germline.
Comment: This variant is not present in population databases (ExAC no frequency). This sequence change replaces serine with leucine at codon 194 of the SLC52A2 protein (p.Ser194Leu). The serine residue is moderately conserved and there is a large physicochemical difference between serine and leucine. This variant has not been reported in the literature in individuals with SLC52A2-related conditions. Algorithms developed to predict the effect of missense changes on protein structure and function are either unavailable or do not agree on the potential impact of this missense change (SIFT: "Deleterious"; PolyPhen-2: "Benign"; Align-GVGD: "Class C15"). In summary, the available evidence is currently insufficient to determine the role of this variant in disease. Therefore, it has been classified as a Variant of Uncertain Significance.